The following is an entry in ClinVar:

ClinVar aggregate classification (germline): Conflicting classifications of pathogenicity. Review status: criteria provided, conflicting classifications (1 of 4 stars). 5 submissions from 5 submitters: Uncertain significance (1); Likely benign (4). Last evaluated 2026-01-22.

Conditions:
Autosomal recessive hypophosphatemic bone disease (HHRH). Also called: HYPERCALCIURIC RICKETS; Hypophosphatemic rickets with hypercalciuria. Identifiers: Orphanet 157215, MedGen C1853271, MONDO:0009431, OMIM 241530.

Submissions (5):

Labcorp Genetics (formerly Invitae), Labcorp
Classification: Likely benign. Last evaluated: 2026-01-22. Review status: criteria provided, single submitter. Criteria: Invitae Variant Classification Sherloc (09022015). Collection method: clinical testing. Allele origin: germline.

Women's Health and Genetics/Laboratory Corporation of America, LabCorp
Classification: Likely benign. Last evaluated: 2025-12-02. Review status: criteria provided, single submitter. Criteria: LabCorp Variant Classification Summary - May 2015. Collection method: clinical testing. Allele origin: germline.
Comment: Variant summary: SLC34A3 c.195_215del21 (p.Arg65_Gly71del) results in an in-frame deletion that is predicted to remove 7 amino acids from the encoded protein. The variant allele was found at a frequency of 0.00099 in 242074 control chromosomes, predominantly at a frequency of 0.005 within the African or African-American subpopulation in the gnomAD database. The observed variant frequency within African or African-American control individuals in the gnomAD database exceeds the estimated maximal expected allele frequency for disease-causing variants in SLC34A3. c.195_215del21 has been observed in individual(s) affected with Hypersensitivity to Vitamin D without strong evidence for causality (Molin_2021). These report(s) do not provide unequivocal conclusions about association of the variant with Hereditary Hypophosphatemic Rickets With Hypercalciuria. To our knowledge, no experimental evidence demonstrating an impact on protein function has been reported. The following publication has been ascertained in the context of this evaluation (PMID: 34721296). ClinVar contains an entry for this variant (Variation ID: 593626). Based on the evidence outlined above, the variant was classified as likely benign.

ARUP Laboratories, Molecular Genetics and Genomics, ARUP Laboratories
Classification: Likely benign for Autosomal recessive hypophosphatemic bone disease. Last evaluated: 2021-07-08. Review status: criteria provided, single submitter. Criteria: ARUP Molecular Germline Variant Investigation Process 2021. Collection method: clinical testing. Allele origin: germline.

GeneDx
Classification: Uncertain significance. Last evaluated: 2019-05-16. Review status: criteria provided, single submitter. Criteria: GeneDx Variant Classification Process June 2021. Collection method: clinical testing. Allele origin: germline. Affected: yes.
Comment: In-frame deletion of 7 amino acids in a non-repeat region; In silico analysis, which includes protein predictors and evolutionary conservation, supports a deleterious effect; Has not been previously published as pathogenic or benign to our knowledge

Eurofins Ntd Llc (ga)
Classification: Likely benign. Last evaluated: 2017-08-31. Review status: criteria provided, single submitter. Criteria: EGL Classification Definitions 2015. Collection method: clinical testing. Allele origin: germline. Observed: 1 variant allele, 1 heterozygote.

Literature cited by the submitters: PubMed 34721296 (cited by Women's Health and Genetics/Laboratory Corporation of America, LabCorp).

NM_001177316.2(SLC34A3):c.195_215del (p.Arg65_Gly71del)

Gene: SLC34A3 (solute carrier family 34 member 3; plus strand). Cytogenetic location: 9q34.3.
Variant type: Deletion.
Coding change: c.195_215del on transcript NM_001177316.2 (MANE Select); coding-DNA positions 195 to 215, 21 bases deleted (GCTGCGCCGCGTGGCCGGCAG).
Protein change: p.Arg65_Gly71del.
Molecular consequence: inframe deletion.
Genome position (GRCh38, 1-based): chr9:137,232,594-137,232,614, GCTGCGCCGCGTGGCCGGCAG deleted; deleting any 21 consecutive bases within chr9:137,232,579-137,232,614 gives the same sequence; the c. name uses the placement nearest the transcript's 3' end. VCF-style (leftmost placement, unchanged base first): chr9-137232578-TCCGCGTGGCCGGCAGGCTGCG-T. GRCh37 (hg19) VCF-style: chr9-140127030-TCCGCGTGGCCGGCAGGCTGCG-T.
Other names: c.195_215delGCTGCGCCGCGTGGCCGGCAG (NM_080877.2); c.195_215del, p.Arg65_Gly71del (NM_001177317.2, NM_080877.3); c.195_215del21 (NM_080877.3).
Identifiers: ClinVar variation 593626 (VCV000593626.27), dbSNP rs532224704, ClinGen allele CA5364258.